The following is an entry in ClinVar:

ClinVar aggregate classification (germline): Uncertain significance (1 of 4 stars; one submission).

gnomAD v4.1: 7 of 1,614,018 alleles (0.00043%); highest among the groups gnomAD compares: Non-Finnish European, 0.00059%; no homozygotes.

Submission:

Labcorp Genetics (formerly Invitae), Labcorp
Classification: Uncertain significance. Last evaluated: 2021-11-13. Review status: criteria provided, single submitter. Criteria: Invitae Variant Classification Sherloc (09022015). Collection method: clinical testing. Allele origin: germline.
Comment: In summary, the available evidence is currently insufficient to determine the role of this variant in disease. Therefore, it has been classified as a Variant of Uncertain Significance. Algorithms developed to predict the effect of missense changes on protein structure and function are either unavailable or do not agree on the potential impact of this missense change (SIFT: "Deleterious"; PolyPhen-2: "Benign"; Align-GVGD: "Class C0"). This variant has not been reported in the literature in individuals affected with RORB-related conditions. This variant is not present in population databases (gnomAD no frequency). This sequence change replaces valine, which is neutral and non-polar, with glycine, which is neutral and non-polar, at codon 121 of the RORB protein (p.Val121Gly).

NM_006914.4(RORB):c.362T>G (p.Val121Gly)

Gene: RORB (RAR related orphan receptor B; plus strand). Cytogenetic location: 9q21.13.
Variant type: single nucleotide variant.
Coding change: c.362T>G on transcript NM_006914.4 (MANE Select); coding-DNA position 362, T replaced by G.
Protein change: p.Val121Gly; replaces valine 121 with glycine.
Molecular consequence: missense variant.
Genome position (GRCh38, 1-based): chr9:74,642,540, T>G. VCF-style: chr9-74642540-T-G. GRCh37 (hg19) VCF-style: chr9-77257456-T-G.
Other names: c.395T>G, p.Val132Gly (NM_001365023.1); short protein forms V121G, V132G.
Identifiers: ClinVar variation 1499529 (VCV001499529.6), dbSNP rs1587401877, ClinGen allele CA373769691.